The following is an entry in ClinVar:

ClinVar aggregate classification (germline): Uncertain significance. Review status: criteria provided, multiple submitters, no conflicts (2 of 4 stars). 2 submissions from 2 submitters: Uncertain significance (2). Last evaluated 2025-01-02.

Conditions:
Thrombophilia, X-linked, due to factor 9 defect. Identifiers: MedGen C2749016, MONDO:0010432, OMIM 300807.
Hereditary factor IX deficiency disease (HEMB). Also called: Christmas Disease; F9 DEFICIENCY; FACTOR IX DEFICIENCY; PLASMA THROMBOPLASTIN COMPONENT DEFICIENCY; Hemophilia B. Identifiers: Orphanet 98879, MedGen C0008533, MeSH D002836, MONDO:0010604, OMIM 306900.

Submissions (2):

Mayo Clinic Laboratories, Mayo Clinic
Classification: Uncertain significance. Last evaluated: 2025-01-02. Review status: criteria provided, single submitter. Criteria: ACMG Guidelines, 2015. Collection method: clinical testing. Allele origin: germline. Observed: 1 variant allele.
Comment: PM2_supporting, PM5

Labcorp Genetics (formerly Invitae), Labcorp
Classification: Uncertain significance for Thrombophilia, X-linked, due to factor 9 defect; Hereditary factor IX deficiency disease. Last evaluated: 2021-04-24. Review status: criteria provided, single submitter. Criteria: Invitae Variant Classification Sherloc (09022015). Collection method: clinical testing. Allele origin: germline.
Comment: This sequence change replaces phenylalanine with leucine at codon 55 of the F9 protein (p.Phe55Leu). The phenylalanine residue is moderately conserved and there is a small physicochemical difference between phenylalanine and leucine. In summary, the available evidence is currently insufficient to determine the role of this variant in disease. Therefore, it has been classified as a Variant of Uncertain Significance. This variant disrupts the p.Phe55 amino acid residue in F9. Other variant(s) that disrupt this residue have been determined to be pathogenic (PMID: 15921378, 10739381, 10595634, 8091381). This suggests that this residue is clinically significant, and that variants that disrupt this residue are likely to be disease-causing. Advanced modeling of protein sequence and biophysical properties (such as structural, functional, and spatial information, amino acid conservation, physicochemical variation, residue mobility, and thermodynamic stability) performed at Invitae indicates that this missense variant is not expected to disrupt F9 protein function. This variant has been observed in individual(s) with factor IX deficiency (Invitae). This variant is not present in population databases (ExAC no frequency).

Literature cited by the submitters: PubMed 15921378 (cited by Labcorp Genetics (formerly Invitae), Labcorp); PubMed 10739381 (cited by Labcorp Genetics (formerly Invitae), Labcorp); PubMed 10595634 (cited by Labcorp Genetics (formerly Invitae), Labcorp); PubMed 8091381 (cited by Labcorp Genetics (formerly Invitae), Labcorp).

NM_000133.4(F9):c.163T>C (p.Phe55Leu)

Gene: F9 (coagulation factor IX; plus strand). Cytogenetic location: Xq27.1.
Variant type: single nucleotide variant.
Coding change: c.163T>C on transcript NM_000133.4 (MANE Select); coding-DNA position 163, T replaced by C.
Protein change: p.Phe55Leu; replaces phenylalanine 55 with leucine.
Molecular consequence: missense variant.
Genome position (GRCh38, 1-based): chrX:139,537,084, T>C. VCF-style: chrX-139537084-T-C. GRCh37 (hg19) VCF-style: chrX-138619243-T-C.
Other names: p.Phe55Leu; c.163T>C, p.Phe55Leu (NM_001313913.2); short protein forms F55L.
Identifiers: ClinVar variation 1509808 (VCV001509808.9), dbSNP rs759987427, ClinGen allele CA414435768.
Genomic context (GRCh38, chrX:139,537,084, plus strand): 5'-GAAAACGCCAACAAAATTCTGAATCGGCCAAAGAGGTATAATTCAGGTAAATTGGAAGAG[T>C]TTGTTCAAGGGAACCTTGAGAGAGAATGTATGGAAGAAAAGTGTAGTTTTGAAGAAGCAC-3'
Protein context (NP_000124.1, residues 45-65): KRYNSGKLEE[Phe55Leu]VQGNLERECM